The following is an entry in ClinVar:

ClinVar aggregate classification (germline): Uncertain significance (1 of 4 stars; one submission).

Conditions:
Muscular dystrophy-dystroglycanopathy (congenital with brain and eye anomalies), type a, 8 (MDDGA8). Also called: WALKER-WARBURG SYNDROME OR MUSCLE-EYE-BRAIN DISEASE, GTDC2-RELATED. Identifiers: Orphanet 899, MedGen C3553813, MONDO:0013904, OMIM 614830.

Submission:

Labcorp Genetics (formerly Invitae), Labcorp
Classification: Uncertain significance for Muscular dystrophy-dystroglycanopathy (congenital with brain and eye anomalies), type a, 8. Last evaluated: 2022-07-06. Review status: criteria provided, single submitter. Criteria: Invitae Variant Classification Sherloc (09022015). Collection method: clinical testing. Allele origin: germline.
Comment: This variant is not present in population databases (gnomAD no frequency). This sequence change replaces leucine, which is neutral and non-polar, with proline, which is neutral and non-polar, at codon 310 of the POMGNT2 protein (p.Leu310Pro). This variant has not been reported in the literature in individuals affected with POMGNT2-related conditions. ClinVar contains an entry for this variant (Variation ID: 1481452). Algorithms developed to predict the effect of missense changes on protein structure and function (SIFT, PolyPhen-2, Align-GVGD) all suggest that this variant is likely to be disruptive. In summary, the available evidence is currently insufficient to determine the role of this variant in disease. Therefore, it has been classified as a Variant of Uncertain Significance.

NM_032806.6(POMGNT2):c.929T>C (p.Leu310Pro)

Gene: POMGNT2 (protein O-linked mannose N-acetylglucosaminyltransferase 2 (beta 1,4-); minus strand). Cytogenetic location: 3p22.1.
Variant type: single nucleotide variant.
Coding change: c.929T>C on transcript NM_032806.6 (MANE Select); coding-DNA position 929, T replaced by C.
Protein change: p.Leu310Pro; replaces leucine 310 with proline.
Molecular consequence: missense variant.
Genome position (GRCh38, 1-based): chr3:43,080,503, A>G on the plus strand (T>C on the coding strand, the complement: POMGNT2 is on the minus strand). VCF-style: chr3-43080503-A-G. GRCh37 (hg19) VCF-style: chr3-43121995-A-G.
Other names: short protein forms L310P.
Identifiers: ClinVar variation 1481452 (VCV001481452.8), dbSNP rs2125700151, ClinGen allele CA352302208.